The following is an entry in ClinVar:

ClinVar aggregate classification (germline): Uncertain significance. Review status: criteria provided, multiple submitters, no conflicts (2 of 4 stars). 2 submissions from 2 submitters: Uncertain significance (2). Last evaluated 2025-07-31.

Conditions:
Hereditary cancer-predisposing syndrome. Also called: Hereditary neoplastic syndrome; Tumor predisposition; Neoplastic Syndromes, Hereditary; Hereditary Cancer Syndrome. Identifiers: Orphanet 140162, MedGen C0027672, MeSH D009386, MONDO:0015356.

gnomAD v4.1: 1 of 1,608,558 alleles (0.000062%); highest among the groups gnomAD compares: Middle Eastern, 0.017%; no homozygotes.

Submissions (2):

Labcorp Genetics (formerly Invitae), Labcorp
Classification: Uncertain significance. Last evaluated: 2025-07-31. Review status: criteria provided, single submitter. Criteria: Invitae Variant Classification Sherloc (09022015). Collection method: clinical testing. Allele origin: germline.
Comment: This sequence change replaces lysine, which is basic and polar, with glutamic acid, which is acidic and polar, at codon 56 of the NTHL1 protein (p.Lys56Glu). This variant is not present in population databases (gnomAD no frequency). This variant has not been reported in the literature in individuals affected with NTHL1-related conditions. ClinVar contains an entry for this variant (Variation ID: 1502667). An algorithm developed to predict the effect of missense changes on protein structure and function (PolyPhen-2) suggests that this variant is likely to be tolerated. In summary, the available evidence is currently insufficient to determine the role of this variant in disease. Therefore, it has been classified as a Variant of Uncertain Significance.

Ambry Genetics
Classification: Uncertain significance for Hereditary cancer-predisposing syndrome. Last evaluated: 2021-02-23. Review status: criteria provided, single submitter. Criteria: Ambry Variant Classification Scheme 2023. Collection method: clinical testing. Allele origin: germline.
Comment: The p.K56E variant (also known as c.166A>G), located in coding exon 2 of the NTHL1 gene, results from an A to G substitution at nucleotide position 166. The lysine at codon 56 is replaced by glutamic acid, an amino acid with similar properties. This amino acid position is poorly conserved in available vertebrate species. In addition, this alteration is predicted to be tolerated by in silico analysis. Since supporting evidence is limited at this time, the clinical significance of this alteration remains unclear.

NM_002528.7(NTHL1):c.142A>G (p.Lys48Glu)

Gene: NTHL1 (nth like DNA glycosylase 1; minus strand). Cytogenetic location: 16p13.3.
Variant type: single nucleotide variant.
Coding change: c.142A>G on transcript NM_002528.7 (MANE Select); coding-DNA position 142, A replaced by G.
Protein change: p.Lys48Glu; replaces lysine 48 with glutamic acid.
Molecular consequence: missense variant. On other transcripts: 5 prime UTR variant (1).
Genome position (GRCh38, 1-based): chr16:2,046,340, T>C on the plus strand (A>G on the coding strand, the complement: NTHL1 is on the minus strand). VCF-style: chr16-2046340-T-C. GRCh37 (hg19) VCF-style: chr16-2096341-T-C.
Other names: c.142A>G, p.Lys48Glu (NM_001318193.2); c.-37A>G (NM_001318194.2); short protein forms K48E.
Identifiers: ClinVar variation 1502667 (VCV001502667.10), dbSNP rs2150947503, ClinGen allele CA394297995.
Genomic context (GRCh38, chr16:2,046,340, plus strand): 5'-CTTTCTCACTGTCCGAGCCCTCATAGGCCACACGCAGTCTCTGTGCTTTCCGCGGACGCT[T>C]CACGGGGCTGTGGCTTTTCCTCGCTTCTGCAAAAAGCACCACGCAGTCCCTCTGGTGGGG-3'
Protein context (NP_002519.2, residues 38-58): AEARKSHSPV[Lys48Glu]RPRKAQRLRV